The following is an entry in ClinVar:

ClinVar aggregate classification (germline): Pathogenic (1 of 4 stars; one submission).

Submission:

Labcorp Genetics (formerly Invitae), Labcorp
Classification: Pathogenic. Last evaluated: 2020-01-30. Review status: criteria provided, single submitter. Criteria: Invitae Variant Classification Sherloc (09022015). Collection method: clinical testing. Allele origin: germline.
Comment: This sequence change creates a premature translational stop signal (p.Val30Glyfs*52) in the GNPTG gene. It is expected to result in an absent or disrupted protein product. For these reasons, this variant has been classified as Pathogenic. Loss-of-function variants in GNPTG are known to be pathogenic (PMID: 19370764, 20301784). Algorithms developed to predict the effect of sequence changes on RNA splicing suggest that this variant may create or strengthen a splice site, but this prediction has not been confirmed by published transcriptional studies. This variant has not been reported in the literature in individuals with GNPTG-related conditions. The frequency data for this variant in the population databases is considered unreliable, as metrics indicate insufficient coverage at this position in the ExAC database.

Literature cited by the submitters: PubMed 19370764; PubMed 20301784.

NM_032520.5(GNPTG):c.89_90del (p.Val30fs)

Genes: GNPTG (N-acetylglucosamine-1-phosphate transferase subunit gamma; plus strand), LOC130058158 (ATAC-STARR-seq lymphoblastoid silent region 6972; plus strand). Cytogenetic location: 16p13.3.
Variant type: Deletion.
Coding change: c.89_90del on transcript NM_032520.5 (MANE Select); coding-DNA positions 89 to 90, 2 bases deleted (TG; older notation c.89_90delTG).
Protein change: p.Val30fs; shifts the reading frame from valine 30.
Molecular consequence: frameshift variant.
Genome position (GRCh38, 1-based): chr16:1,352,138-1,352,139, TG deleted; deleting any 2 consecutive bases within chr16:1,352,137-1,352,139 gives the same sequence; the c. name uses the placement nearest the transcript's 3' end. VCF-style (leftmost placement, unchanged base first): chr16-1352136-GGT-G. GRCh37 (hg19) VCF-style: chr16-1402137-GGT-G.
Other names: short protein forms V30fs.
Identifiers: ClinVar variation 1075131 (VCV001075131.8), dbSNP rs1335120510, ClinGen allele CA620700451.